The following is an entry in ClinVar:

NM_016222.4(DDX41):c.763C>T (p.Arg255Cys)

Gene: DDX41 (DEAD-box helicase 41; minus strand). Cytogenetic location: 5q35.3.
Variant type: single nucleotide variant.
Coding change: c.763C>T on transcript NM_016222.4 (MANE Select); coding-DNA position 763, C replaced by T.
Protein change: p.Arg255Cys; replaces arginine 255 with cysteine.
Molecular consequence: missense variant.
Genome position (GRCh38, 1-based): chr5:177,514,951, G>A on the plus strand (C>T on the coding strand, the complement: DDX41 is on the minus strand). VCF-style: chr5-177514951-G-A. GRCh37 (hg19) VCF-style: chr5-176941952-G-A.
Other names: c.385C>T, p.Arg129Cys (NM_001321732.2, NM_001321830.2); c.763C>T (NM_016222.2); short protein forms R129C, R255C.
Identifiers: ClinVar variation 2872172 (VCV002872172.4), dbSNP rs760338178, ClinGen allele CA3585033.
Genomic context (GRCh38, chr5:177,514,951, plus strand): 5'-TGCCCTCCAGGCCAGCCTATCTTACCGAGGGGCAGATGATGAGTCCATAGGGCCCCTCGC[G>A]CTTTGAGAAGGGTAACCTCTTCTCTTGTTCCAGGCAGAACATGATGACGGGCAACGTGAA-3'
Protein context (NP_057306.2, residues 245-265): EQEKRLPFSK[Arg255Cys]EGPYGLIICP

ClinVar aggregate classification (germline): Uncertain significance. Review status: criteria provided, multiple submitters, no conflicts (2 of 4 stars). 2 submissions from 2 submitters: Uncertain significance (2). Last evaluated 2025-02-18.

Conditions:
Inborn genetic diseases. Identifiers: MedGen C0950123, MeSH D030342.

Allele frequency attached by ClinVar (database versions not stated): gnomAD exomes below 0.00001; gnomAD 0.00001; ExAC 0.00002.
gnomAD v4.1: 6 of 1,612,270 alleles (0.00037%); highest among the groups gnomAD compares: South Asian, 0.0022%; no homozygotes.

Submissions (2):

Ambry Genetics
Classification: Uncertain significance for Inborn genetic diseases. Last evaluated: 2025-02-18. Review status: criteria provided, single submitter. Criteria: Ambry Variant Classification Scheme 2023. Collection method: clinical testing. Allele origin: germline.
Comment: The p.R255C variant (also known as c.763C>T), located in coding exon 8 of the DDX41 gene, results from a C to T substitution at nucleotide position 763. The arginine at codon 255 is replaced by cysteine, an amino acid with highly dissimilar properties. This variant has been reported in one United Kingdom Biobank participant in a study of the prevalence of DDX41 variants in the general population (Cheloor Kovilakam S et al. Blood, 2023 Oct;142:1185-1192). This amino acid position is highly conserved in available vertebrate species. In addition, the in silico prediction for this alteration is inconclusive. Based on the available evidence, the clinical significance of this variant remains unclear.

Labcorp Genetics (formerly Invitae), Labcorp
Classification: Uncertain significance. Last evaluated: 2023-06-13. Review status: criteria provided, single submitter. Criteria: Invitae Variant Classification Sherloc (09022015). Collection method: clinical testing. Allele origin: germline.
Comment: This sequence change replaces arginine, which is basic and polar, with cysteine, which is neutral and slightly polar, at codon 255 of the DDX41 protein (p.Arg255Cys). In summary, the available evidence is currently insufficient to determine the role of this variant in disease. Therefore, it has been classified as a Variant of Uncertain Significance. An algorithm developed to predict the effect of missense changes on protein structure and function (PolyPhen-2) suggests that this variant is likely to be disruptive. This variant has not been reported in the literature in individuals affected with DDX41-related conditions. The frequency data for this variant in the population databases is considered unreliable, as metrics indicate poor data quality at this position in the gnomAD database.

Literature cited by the submitters: PubMed 37506341 (cited by Ambry Genetics).